The following is an entry in ClinVar:

ClinVar aggregate classification (germline): Uncertain significance (1 of 4 stars; one submission).

Conditions:
Rafiq syndrome (RAFQS). Identifiers: Orphanet 88616, MedGen C3280127, MONDO:0013624, OMIM 614202.

Allele frequency attached by ClinVar (database versions not stated): TOPMed below 0.00001; gnomAD 0.00001.
gnomAD v4.1: 1 of 1,612,728 alleles (0.000062%); highest among the groups gnomAD compares: East Asian, 0.0022%; no homozygotes.

Submission:

Labcorp Genetics (formerly Invitae), Labcorp
Classification: Uncertain significance for Rafiq syndrome. Last evaluated: 2022-08-22. Review status: criteria provided, single submitter. Criteria: Invitae Variant Classification Sherloc (09022015). Collection method: clinical testing. Allele origin: germline.
Comment: This sequence change replaces proline, which is neutral and non-polar, with serine, which is neutral and polar, at codon 598 of the MAN1B1 protein (p.Pro598Ser). This variant is not present in population databases (gnomAD no frequency). This variant has not been reported in the literature in individuals affected with MAN1B1-related conditions. Algorithms developed to predict the effect of missense changes on protein structure and function (SIFT, PolyPhen-2, Align-GVGD) all suggest that this variant is likely to be disruptive. In summary, the available evidence is currently insufficient to determine the role of this variant in disease. Therefore, it has been classified as a Variant of Uncertain Significance.

NM_016219.5(MAN1B1):c.1792C>T (p.Pro598Ser)

Gene: MAN1B1 (mannosidase alpha class 1B member 1; plus strand). Cytogenetic location: 9q34.3.
Variant type: single nucleotide variant.
Coding change: c.1792C>T on transcript NM_016219.5 (MANE Select); coding-DNA position 1792, C replaced by T.
Protein change: p.Pro598Ser; replaces proline 598 with serine.
Molecular consequence: missense variant. On other transcripts: non-coding transcript variant (2).
Genome position (GRCh38, 1-based): chr9:137,107,558, C>T. VCF-style: chr9-137107558-C-T. GRCh37 (hg19) VCF-style: chr9-140002010-C-T.
Other names: c.1684C>T, p.Pro562Ser (NM_007230.1); short protein forms P562S, P598S.
Identifiers: ClinVar variation 2155176 (VCV002155176.1), dbSNP rs775612984, ClinGen allele CA201699891.